The following is an entry in ClinVar:

ClinVar aggregate classification (germline): Uncertain significance (1 of 4 stars; one submission).

gnomAD v4.1: 16 of 1,611,430 alleles (0.00099%); highest among the groups gnomAD compares: Admixed American, 0.0033%; no homozygotes.

Submission:

Athena Diagnostics
Classification: Uncertain significance. Last evaluated: 2023-10-06. Review status: criteria provided, single submitter. Criteria: Athena Diagnostics Criteria. Collection method: clinical testing. Allele origin: unknown.
Comment: Available data are insufficient to determine the clinical significance of the variant at this time. The frequency of this variant in the general population is uninformative in assessment of its pathogenicity. This variant is expected to result in a premature termination and therefore the loss of a functional protein. However, the clinical relevance of such variants in this gene has not been established.

NM_198994.3(TGM6):c.33G>A (p.Trp11Ter)

Gene: TGM6 (transglutaminase 6; plus strand). Cytogenetic location: 20p13.
Variant type: single nucleotide variant.
Coding change: c.33G>A on transcript NM_198994.3 (MANE Select); coding-DNA position 33, G replaced by A.
Protein change: p.Trp11Ter; replaces tryptophan 11 with a stop codon.
Molecular consequence: nonsense.
Genome position (GRCh38, 1-based): chr20:2,394,477, G>A. VCF-style: chr20-2394477-G-A. GRCh37 (hg19) VCF-style: chr20-2375123-G-A.
Other names: c.33G>A, p.Trp11Ter (NM_001254734.2); short protein forms W11*.
Identifiers: ClinVar variation 3571807 (VCV003571807.1).